The following is an entry in ClinVar:

ClinVar aggregate classification (germline): Likely benign (1 of 4 stars; one submission).

Allele frequency attached by ClinVar (database versions not stated): gnomAD 0.00005; TOPMed 0.00009; gnomAD exomes 0.00014; ExAC 0.00018; ESP Exome Variant Server 0.00025.
gnomAD v4.1: 196 of 1,553,910 alleles (0.013%); highest among the groups gnomAD compares: Non-Finnish European, 0.016%; no homozygotes.

Submission:

CeGaT Center for Human Genetics Tuebingen
Classification: Likely benign. Last evaluated: 2023-01-01. Review status: criteria provided, single submitter. Criteria: CeGaT Center For Human Genetics Tuebingen Variant Classification Criteria Version 2. Collection method: clinical testing. Allele origin: germline. Affected: yes. Observed: 1 variant allele.
Comment: CSMD1: BP4, BP7

NM_033225.6(CSMD1):c.5904C>G (p.Pro1968=)

Gene: CSMD1 (CUB and Sushi multiple domains 1; minus strand). Cytogenetic location: 8p23.2.
Variant type: single nucleotide variant.
Coding change: c.5904C>G on transcript NM_033225.6 (MANE Select); coding-DNA position 5904, C replaced by G.
Protein change: p.Pro1968=; no amino-acid change (proline 1968 retained).
Molecular consequence: synonymous variant.
Genome position (GRCh38, 1-based): chr8:3,157,907, G>C on the plus strand (C>G on the coding strand, the complement: CSMD1 is on the minus strand). VCF-style: chr8-3157907-G-C. GRCh37 (hg19) VCF-style: chr8-3015429-G-C.
Identifiers: ClinVar variation 2658332 (VCV002658332.24), dbSNP rs375906443, ClinGen allele CA4606717.